The following is an entry in ClinVar:

ClinVar aggregate classification (germline): Uncertain significance (1 of 4 stars; one submission).

Conditions:
CACNA1I-related disorder. Also called: CACNA1I-related condition.

Submission:

PreventionGenetics, part of Exact Sciences
Classification: Uncertain significance for CACNA1I-related condition. Last evaluated: 2025-01-13. Review status: criteria provided, single submitter. Criteria: ACMG Guidelines, 2015. Collection method: clinical testing. Allele origin: germline.
Comment: The CACNA1I c.877T>C variant is predicted to result in the amino acid substitution p.Cys293Arg. To our knowledge, this variant has not been reported in the literature or in a large population database (gnomAD), indicating this variant is rare. Although we suspect that this variant may be pathogenic, at this time, the clinical significance of this variant is uncertain due to the absence of conclusive functional and genetic evidence.

NM_021096.4(CACNA1I):c.877T>C (p.Cys293Arg)

Gene: CACNA1I (calcium voltage-gated channel subunit alpha1 I; plus strand). Cytogenetic location: 22q13.1.
Variant type: single nucleotide variant.
Coding change: c.877T>C on transcript NM_021096.4 (MANE Select); coding-DNA position 877, T replaced by C.
Protein change: p.Cys293Arg; replaces cysteine 293 with arginine.
Molecular consequence: missense variant.
Genome position (GRCh38, 1-based): chr22:39,641,003, T>C. VCF-style: chr22-39641003-T-C. GRCh37 (hg19) VCF-style: chr22-40037008-T-C.
Other names: c.877T>C, p.Cys293Arg (NM_001003406.2); short protein forms C293R.
Identifiers: ClinVar variation 5000612 (VCV005000612.1).